The following is an entry in ClinVar:

ClinVar aggregate classification (germline): Uncertain significance (1 of 4 stars; one submission).

gnomAD v4.1: 32 of 1,614,134 alleles (0.002%); highest among the groups gnomAD compares: East Asian, 0.071%; no homozygotes.

Submission:

Labcorp Genetics (formerly Invitae), Labcorp
Classification: Uncertain significance. Last evaluated: 2024-04-22. Review status: criteria provided, single submitter. Criteria: Invitae Variant Classification Sherloc (09022015). Collection method: clinical testing. Allele origin: germline.
Comment: This sequence change replaces serine, which is neutral and polar, with arginine, which is basic and polar, at codon 577 of the ALPK1 protein (p.Ser577Arg). This variant is present in population databases (rs761903950, gnomAD 0.05%). This variant has not been reported in the literature in individuals affected with ALPK1-related conditions. Advanced modeling of protein sequence and biophysical properties (such as structural, functional, and spatial information, amino acid conservation, physicochemical variation, residue mobility, and thermodynamic stability) performed at Invitae indicates that this missense variant is not expected to disrupt ALPK1 protein function with a negative predictive value of 80%. In summary, the available evidence is currently insufficient to determine the role of this variant in disease. Therefore, it has been classified as a Variant of Uncertain Significance.

NM_025144.4(ALPK1):c.1731C>A (p.Ser577Arg)

Gene: ALPK1 (alpha kinase 1; plus strand). Cytogenetic location: 4q25.
Variant type: single nucleotide variant.
Coding change: c.1731C>A on transcript NM_025144.4 (MANE Select); coding-DNA position 1731, C replaced by A.
Protein change: p.Ser577Arg; replaces serine 577 with arginine.
Molecular consequence: missense variant.
Genome position (GRCh38, 1-based): chr4:112,431,278, C>A. VCF-style: chr4-112431278-C-A. GRCh37 (hg19) VCF-style: chr4-113352434-C-A.
Other names: c.1731C>A, p.Ser577Arg (NM_001102406.2); c.1497C>A, p.Ser499Arg (NM_001253884.2); short protein forms S499R, S577R.
Identifiers: ClinVar variation 3604189 (VCV003604189.2).